The following is an entry in ClinVar:

ClinVar aggregate classification (germline): Conflicting classifications of pathogenicity. Review status: criteria provided, conflicting classifications (1 of 4 stars). 7 submissions from 7 submitters: Uncertain significance (1); Benign (2); Likely benign (2). 2 of the submissions do not count toward it. Last evaluated 2026-02-01.

Conditions:
Left ventricular noncompaction 8 (LVNC8). Identifiers: Orphanet 154, Orphanet 54260, MedGen C3809288, MONDO:0014152, OMIM 615373.

Allele frequency attached by ClinVar (database versions not stated): gnomAD exomes 0.00042 and 0.00046; TOPMed 0.00047; ExAC 0.00056; gnomAD 0.00056 and 0.00058; ESP Exome Variant Server 0.00062.
gnomAD v4.1: 695 of 1,605,030 alleles (0.043%); highest among the groups gnomAD compares: Non-Finnish European, 0.049%; no homozygotes.

Submissions (7):

Labcorp Genetics (formerly Invitae), Labcorp
Classification: Benign for Left ventricular noncompaction 8. Last evaluated: 2026-02-01. Review status: criteria provided, single submitter. Criteria: Invitae Variant Classification Sherloc (09022015). Collection method: clinical testing. Allele origin: germline.

Women's Health and Genetics/Laboratory Corporation of America, LabCorp
Classification: Benign. Last evaluated: 2025-02-10. Review status: criteria provided, single submitter. Criteria: LabCorp Variant Classification Summary - May 2015. Collection method: clinical testing. Allele origin: germline.

Blueprint Genetics
Classification: Likely benign. Last evaluated: 2024-11-06. Review status: criteria provided, single submitter. Criteria: ACMG Guidelines, 2015. Collection method: clinical testing. Allele origin: germline.

GeneDx
Classification: Likely benign. Last evaluated: 2018-01-16. Review status: criteria provided, single submitter. Criteria: GeneDx Variant Classification (06012015). Collection method: clinical testing. Allele origin: germline. Affected: yes.
Comment: This variant is considered likely benign or benign based on one or more of the following criteria: it is a conservative change, it occurs at a poorly conserved position in the protein, it is predicted to be benign by multiple in silico algorithms, and/or has population frequency not consistent with disease.

Laboratory for Molecular Medicine, Mass General Brigham Personalized Medicine
Classification: Uncertain significance. Last evaluated: 2015-04-14. Review status: criteria provided, single submitter. Criteria: LMM Criteria. Collection method: clinical testing. Allele origin: germline. Observed: 1 variant allele.
Comment: Variant classified as Uncertain Significance - Favor Benign. The c.38-14G>A vari ant in PRDM16 has not been previously reported in individuals with cardiomyopath y, but has been identified in 0.1% (59/62964) of European chromosomes by the Exo me Aggregation Consortium (ExAC; dbSNP rs3684099 02). This variant is located in the 3' splice region. Computational tools do not suggest an impact to splicing. However, this information is not predictive enou gh to rule out pathogenicity. In summary, while the clinical significance of the c.38-14G>A variant is uncertain, its frequency suggests that it is more likely to be benign.

Clinical Genetics, Academic Medical Center
Classification: Benign. Review status: no assertion criteria provided. Collection method: clinical testing. Allele origin: germline. Affected: yes. Study: VKGL Data-share Consensus. Not counted in ClinVar's aggregate classification.

Joint Genome Diagnostic Labs from Nijmegen and Maastricht, Radboudumc and MUMC+
Classification: Likely benign. Review status: no assertion criteria provided. Collection method: clinical testing. Allele origin: germline. Affected: yes. Study: VKGL Data-share Consensus. Not counted in ClinVar's aggregate classification.

NM_022114.4(PRDM16):c.38-14G>A

Gene: PRDM16 (PR/SET domain 16; plus strand). Cytogenetic location: 1p36.32.
Variant type: single nucleotide variant.
Coding change: c.38-14G>A on transcript NM_022114.4 (MANE Select); 14 bases into the intron before coding-DNA position 38, G replaced by A.
Molecular consequence: intron variant.
Genome position (GRCh38, 1-based): chr1:3,186,111, G>A. VCF-style: chr1-3186111-G-A. GRCh37 (hg19) VCF-style: chr1-3102675-G-A.
Other names: c.38-14G>A (NM_199454.3).
Identifiers: ClinVar variation 229168 (VCV000229168.20), dbSNP rs368409902, ClinGen allele CA543678.